The following is an entry in ClinVar:

ClinVar aggregate classification (germline): Uncertain significance (1 of 4 stars; one submission).

Conditions:
Oculocutaneous albinism type 6 (OCA6). Also called: Albinism, oculocutaneous, type VI. Identifiers: Orphanet 370097, MedGen C3805375, MONDO:0018264, OMIM 113750.

gnomAD v4.1: 1 of 1,613,520 alleles (0.000062%); highest among the groups gnomAD compares: South Asian, 0.0011%; no homozygotes.

Submission:

Institute of Human Genetics, University of Leipzig Medical Center
Classification: Uncertain significance for Oculocutaneous albinism type 6. Last evaluated: 2025-12-10. Review status: criteria provided, single submitter. Criteria: ACMG Guidelines, 2015. Collection method: clinical testing. Allele origin: unknown. Inheritance: Autosomal recessive inheritance. Affected: yes.
Comment: Criteria applied: PM2,PM3_SUP

NM_205850.3(SLC24A5):c.451C>A (p.Leu151Ile)

Gene: SLC24A5 (solute carrier family 24 member 5; plus strand). Cytogenetic location: 15q21.1.
Variant type: single nucleotide variant.
Coding change: c.451C>A on transcript NM_205850.3 (MANE Select); coding-DNA position 451, C replaced by A.
Protein change: p.Leu151Ile; replaces leucine 151 with isoleucine.
Molecular consequence: missense variant.
Genome position (GRCh38, 1-based): chr15:48,134,500, C>A. VCF-style: chr15-48134500-C-A. GRCh37 (hg19) VCF-style: chr15-48426697-C-A.
Other names: short protein forms L151I.
Identifiers: ClinVar variation 4683114 (VCV004683114.1).